The following is an entry in ClinVar:

NM_000285.4(PEPD):c.1294G>A (p.Ala432Thr)

Gene: PEPD (peptidase D; minus strand). Cytogenetic location: 19q13.11.
Variant type: single nucleotide variant.
Coding change: c.1294G>A on transcript NM_000285.4 (MANE Select); coding-DNA position 1294, G replaced by A.
Protein change: p.Ala432Thr; replaces alanine 432 with threonine.
Molecular consequence: missense variant.
Genome position (GRCh38, 1-based): chr19:33,387,940, C>T on the plus strand (G>A on the coding strand, the complement: PEPD is on the minus strand). VCF-style: chr19-33387940-C-T. GRCh37 (hg19) VCF-style: chr19-33878846-C-T.
Other names: p.Ala432Thr; c.1171G>A, p.Ala391Thr (NM_001166056.2); c.1102G>A, p.Ala368Thr (NM_001166057.2); short protein forms A432T, A368T, A391T.
Identifiers: ClinVar variation 787004 (VCV000787004.47), dbSNP rs149042427, ClinGen allele CA9363936.

ClinVar aggregate classification (germline): Benign/Likely benign. Review status: criteria provided, multiple submitters, no conflicts (2 of 4 stars). 9 submissions from 9 submitters: Benign (1); Likely benign (5). 3 of the submissions do not count toward it. Last evaluated 2026-08-01.

Conditions:
PEPD-related disorder. Also called: PEPD-related condition.
Prolidase deficiency. Identifiers: Orphanet 742, MedGen C0268532, MONDO:0008221, OMIM 170100.

Allele frequency attached by ClinVar (database versions not stated): ESP Exome Variant Server 0.00296; gnomAD 0.00324 and 0.00332; TOPMed 0.00387; 1000 Genomes Project 0.00419; 1000 Genomes Project 30x 0.00453; ExAC 0.00492.
gnomAD v4.1: 2,890 of 1,597,014 alleles (0.18%); highest among the groups gnomAD compares: Middle Eastern, 2%; 16 homozygotes.

Submissions (9):

CeGaT Center for Human Genetics Tuebingen
Classification: Likely benign. Last evaluated: 2026-08-01. Review status: criteria provided, single submitter. Criteria: CeGaT Center For Human Genetics Tuebingen Variant Classification Criteria Version 2. Collection method: clinical testing. Allele origin: germline. Affected: yes. Observed: 7 variant alleles.
Comment: PEPD: BP4, BS2

Labcorp Genetics (formerly Invitae), Labcorp
Classification: Benign. Last evaluated: 2026-01-29. Review status: criteria provided, single submitter. Criteria: Invitae Variant Classification Sherloc (09022015). Collection method: clinical testing. Allele origin: germline.

Mayo Clinic Laboratories, Mayo Clinic
Classification: Likely benign. Last evaluated: 2025-06-09. Review status: criteria provided, single submitter. Criteria: ACMG Guidelines, 2015. Collection method: clinical testing. Allele origin: germline. Observed: 5 variant alleles.
Comment: BA1, BS2

Blueprint Genetics
Classification: Likely benign. Last evaluated: 2024-11-28. Review status: criteria provided, single submitter. Criteria: ACMG Guidelines, 2015. Collection method: clinical testing. Allele origin: germline.

Illumina Laboratory Services, Illumina
Classification: Likely benign for Prolidase deficiency. Last evaluated: 2017-04-27. Review status: criteria provided, single submitter. Criteria: ICSL Variant Classification Criteria 13 December 2019. Collection method: clinical testing. Allele origin: germline.
Comment: This variant was observed as part of a predisposition screen in an ostensibly healthy population. A literature search was performed for the gene, cDNA change, and amino acid change (where applicable). No publications were found based on this search. Allele frequency data from public databases allowed determination this variant is unlikely to cause disease. Therefore, this variant is classified as likely benign.

Breakthrough Genomics
Classification: Likely benign. Review status: criteria provided, single submitter. Criteria: ACMG Guidelines, 2015. Collection method: not provided. Allele origin: germline. Inheritance: Autosomal recessive inheritance. Affected: yes.

PreventionGenetics, part of Exact Sciences
Classification: Likely benign for PEPD-related condition. Last evaluated: 2020-05-15. Review status: no assertion criteria provided. Collection method: clinical testing. Allele origin: germline. Not counted in ClinVar's aggregate classification.
Comment: This variant is classified as likely benign based on ACMG/AMP sequence variant interpretation guidelines (Richards et al. 2015 PMID: 25741868, with internal and published modifications).

Clinical Genetics DNA and cytogenetics Diagnostics Lab, Erasmus MC, Erasmus Medical Center
Classification: Benign. Review status: no assertion criteria provided. Collection method: clinical testing. Allele origin: germline. Affected: yes. Study: VKGL Data-share Consensus. Not counted in ClinVar's aggregate classification.

Laboratory of Diagnostic Genome Analysis, Leiden University Medical Center (LUMC)
Classification: Likely benign. Review status: no assertion criteria provided. Collection method: clinical testing. Allele origin: germline. Affected: yes. Study: VKGL Data-share Consensus. Not counted in ClinVar's aggregate classification.